The following is an entry in ClinVar:

NM_005432.4(XRCC3):c.1012C>T (p.Arg338Ter)

Genes: XRCC3 (X-ray repair cross complementing 3; minus strand), KLC1 (kinesin light chain 1; plus strand). Cytogenetic location: 14q32.33.
Variant type: single nucleotide variant.
Coding change: c.1012C>T on transcript NM_005432.4 (MANE Select); coding-DNA position 1012, C replaced by T.
Protein change: p.Arg338Ter; replaces arginine 338 with a stop codon.
Molecular consequence: nonsense. On other transcripts: intron variant (15).
Genome position (GRCh38, 1-based): chr14:103,698,827, G>A on the plus strand (C>T on the coding strand, the complement: XRCC3 is on the minus strand). VCF-style: chr14-103698827-G-A. GRCh37 (hg19) VCF-style: chr14-104165164-G-A.
Other names: c.1012C>T, p.Arg338Ter (NM_001100118.2, NM_001100119.2, NM_001371229.1 and 2 more transcripts); c.1924-1828G>A (NM_001394832.1); c.1857-1828G>A (NM_001394836.1); c.1726-1828G>A (NM_001394846.1); c.1897-1828G>A (NM_001394834.1); c.1830-1828G>A (NM_001394839.1); c.1699-1828G>A (NM_001394848.1); c.1849-1828G>A (NM_001394837.1); and 8 more; short protein forms R338*.
Identifiers: ClinVar variation 2431442 (VCV002431442.2), dbSNP rs753750563, ClinGen allele CA7366269.
Genomic context (GRCh38, chr14:103,698,827, plus strand): 5'-CAGGCAGGGCTGTTGTGCAGCCGCCACCGTGTCAGTGGGACTGGGTCCCAGGTGTCCCTC[G>A]CACCCCTTCGGCACTGATCGTGTAGGAACAGGAGGAGGGGGGCAGGTGGGGGGCAGAGAG-3'

ClinVar aggregate classification (germline): Uncertain significance (1 of 4 stars; one submission).

Conditions:
Familial cancer of breast. Also called: Hereditary breast cancer; BREAST CANCER, FAMILIAL; hereditary breast carcinoma. Identifiers: Orphanet 227535, MedGen C0346153, MONDO:0016419, OMIM 114480. Disease mechanism: loss of function.

Allele frequency attached by ClinVar (database versions not stated): gnomAD exomes below 0.00001; gnomAD 0.00001; ExAC 0.00002; TOPMed 0.00002.
gnomAD v4.1: 4 of 1,604,818 alleles (0.00025%); highest among the groups gnomAD compares: Non-Finnish European, 0.00025%; no homozygotes.

Submission:

Laboratorio de Genetica e Diagnostico Molecular, Hospital Israelita Albert Einstein
Classification: Uncertain significance for Familial cancer of breast. Last evaluated: 2022-07-06. Review status: criteria provided, single submitter. Criteria: ACMG Guidelines, 2015. Collection method: clinical testing. Allele origin: germline. Affected: yes.
Comment: ACMG classification criteria: PM2 moderated